The following is an entry in ClinVar:

NM_003718.5(CDK13):c.4322G>A (p.Ser1441Asn)

Gene: CDK13 (cyclin dependent kinase 13; plus strand). Cytogenetic location: 7p14.1.
Variant type: single nucleotide variant.
Coding change: c.4322G>A on transcript NM_003718.5 (MANE Select); coding-DNA position 4322, G replaced by A.
Protein change: p.Ser1441Asn; replaces serine 1441 with asparagine.
Molecular consequence: missense variant.
Genome position (GRCh38, 1-based): chr7:40,094,763, G>A. VCF-style: chr7-40094763-G-A. GRCh37 (hg19) VCF-style: chr7-40134362-G-A.
Other names: c.4142G>A, p.Ser1381Asn (NM_031267.4); short protein forms S1441N, S1381N.
Identifiers: ClinVar variation 3693633 (VCV003693633.2).

ClinVar aggregate classification (germline): Uncertain significance (1 of 4 stars; one submission).

Submission:

Labcorp Genetics (formerly Invitae), Labcorp
Classification: Uncertain significance. Last evaluated: 2024-12-07. Review status: criteria provided, single submitter. Criteria: Invitae Variant Classification Sherloc (09022015). Collection method: clinical testing. Allele origin: germline.
Comment: This sequence change replaces serine, which is neutral and polar, with asparagine, which is neutral and polar, at codon 1441 of the CDK13 protein (p.Ser1441Asn). This variant is not present in population databases (gnomAD no frequency). This variant has not been reported in the literature in individuals affected with CDK13-related conditions. Invitae Evidence Modeling of protein sequence and biophysical properties (such as structural, functional, and spatial information, amino acid conservation, physicochemical variation, residue mobility, and thermodynamic stability) indicates that this missense variant is not expected to disrupt CDK13 protein function with a negative predictive value of 95%. In summary, the available evidence is currently insufficient to determine the role of this variant in disease. Therefore, it has been classified as a Variant of Uncertain Significance.